The following is an entry in ClinVar:

NM_203447.4(DOCK8):c.6149A>G (p.Tyr2050Cys)

Gene: DOCK8 (dedicator of cytokinesis 8; plus strand). Cytogenetic location: 9p24.3.
Variant type: single nucleotide variant.
Coding change: c.6149A>G on transcript NM_203447.4 (MANE Select); coding-DNA position 6149, A replaced by G.
Protein change: p.Tyr2050Cys; replaces tyrosine 2050 with cysteine.
Molecular consequence: missense variant.
Genome position (GRCh38, 1-based): chr9:463,597, A>G. VCF-style: chr9-463597-A-G. GRCh37 (hg19) VCF-style: chr9-463597-A-G.
Other names: c.5849A>G, p.Tyr1950Cys (NM_001190458.2); c.5945A>G, p.Tyr1982Cys (NM_001193536.2); short protein forms Y1950C, Y1982C, Y2050C.
Identifiers: ClinVar variation 3906309 (VCV003906309.1).

ClinVar aggregate classification (germline): Uncertain significance (1 of 4 stars; one submission).

gnomAD v4.1: 4 of 1,614,190 alleles (0.00025%); highest among the groups gnomAD compares: Admixed American, 0.0017%; no homozygotes.

Submission:

GeneDx
Classification: Uncertain significance. Last evaluated: 2024-12-19. Review status: criteria provided, single submitter. Criteria: GeneDx Variant Classification Process June 2021. Collection method: clinical testing. Allele origin: germline. Affected: yes.
Comment: Not observed at significant frequency in large population cohorts (gnomAD); In silico analysis supports that this missense variant has a deleterious effect on protein structure/function; Has not been previously published as pathogenic or benign to our knowledge; This variant is associated with the following publications: (PMID: 27350570, 19898472)